The following is an entry in ClinVar:

ClinVar aggregate classification (germline): Uncertain significance (1 of 4 stars; one submission).

Submission:

ARUP Laboratories, Molecular Genetics and Genomics, ARUP Laboratories
Classification: Uncertain significance. Last evaluated: 2019-01-15. Review status: criteria provided, single submitter. Criteria: ARUP Molecular Germline Variant Investigation Process. Collection method: clinical testing. Allele origin: germline.
Comment: The MEFV c.641A>C; p.Gln214Pro variant, to our knowledge, is not reported in the medical literature or gene specific databases. This variant is also absent from general population databases (Exome Variant Server, Genome Aggregation Database), indicating it is not a common polymorphism. The glutamine at codon 214 is highly conserved, and computational analyses (SIFT, PolyPhen-2) predict that this variant is deleterious. Due to limited information, the clinical significance of the p.Gln214Pro variant is uncertain at this time.

NM_000243.3(MEFV):c.641A>C (p.Gln214Pro)

Gene: MEFV (MEFV innate immunity regulator, pyrin; minus strand). Cytogenetic location: 16p13.3.
Variant type: single nucleotide variant.
Coding change: c.641A>C on transcript NM_000243.3 (MANE Select); coding-DNA position 641, A replaced by C.
Protein change: p.Gln214Pro; replaces glutamine 214 with proline.
Molecular consequence: missense variant. On other transcripts: intron variant (1).
Genome position (GRCh38, 1-based): chr16:3,254,427, T>G on the plus strand (A>C on the coding strand, the complement: MEFV is on the minus strand). VCF-style: chr16-3254427-T-G. GRCh37 (hg19) VCF-style: chr16-3304427-T-G.
Other names: c.277+1884A>C (NM_001198536.2); short protein forms Q214P.
Identifiers: ClinVar variation 811275 (VCV000811275.8), dbSNP rs1596358209, ClinGen allele CA394478828.